The following is an entry in ClinVar:

NM_006361.6(HOXB13):c.414G>A (p.Gln138=)

Gene: HOXB13 (homeobox B13; minus strand). Cytogenetic location: 17q21.32.
Variant type: single nucleotide variant.
Coding change: c.414G>A on transcript NM_006361.6 (MANE Select); coding-DNA position 414, G replaced by A.
Protein change: p.Gln138=; no amino-acid change (glutamine 138 retained).
Molecular consequence: synonymous variant.
Genome position (GRCh38, 1-based): chr17:48,728,180, C>T on the plus strand (G>A on the coding strand, the complement: HOXB13 is on the minus strand). VCF-style: chr17-48728180-C-T. GRCh37 (hg19) VCF-style: chr17-46805542-C-T.
Identifiers: ClinVar variation 3773182 (VCV003773182.1).
Genomic context (GRCh38, chr17:48,728,180, plus strand): 5'-CGGTTCTCCAGGAGCACCCAGAGTCTGCACCACAGACACGTCCAGGTAACTGGCCATAGG[C>T]TGGTAGGTTCCCGGATATCCCGGATAGAAGGCAAACTCAGTGGGGCGGCTGGGGTACTCT-3'
Protein context (NP_006352.2, residues 128-148): AFYPGYPGTY[Gln138=]PMASYLDVSV

ClinVar aggregate classification (germline): Benign (1 of 4 stars; one submission).

Conditions:
Prostate cancer, hereditary, 9 (HPC9). Identifiers: Orphanet 1331, MedGen C1970250, MONDO:0012597, OMIM 610997.

Submission:

Myriad Genetics, Inc.
Classification: Benign for Prostate cancer, hereditary, 9. Last evaluated: 2024-10-29. Review status: criteria provided, single submitter. Criteria: Myriad Autosomal Dominant, Autosomal Recessive and X-Linked Classification Criteria (2023). Collection method: clinical testing. Allele origin: unknown.
Comment: This variant is considered benign. This variant is a silent/synonymous amino acid change and it is not expected to impact splicing.